The following is an entry in ClinVar:

ClinVar aggregate classification (germline): Uncertain significance. Review status: criteria provided, multiple submitters, no conflicts (2 of 4 stars). 2 submissions from 2 submitters: Uncertain significance (2). Last evaluated 2025-09-30.

Conditions:
Hereditary cancer-predisposing syndrome. Also called: Neoplastic Syndromes, Hereditary; Tumor predisposition; Hereditary Cancer Syndrome; Hereditary neoplastic syndrome. Identifiers: Orphanet 140162, MedGen C0027672, MeSH D009386, MONDO:0015356.

Submissions (2):

Color Diagnostics, LLC DBA Color Health
Classification: Uncertain significance for Hereditary cancer-predisposing syndrome. Last evaluated: 2025-09-30. Review status: criteria provided, single submitter. Criteria: ACMG Guidelines, 2015. Collection method: clinical testing. Allele origin: germline.
Comment: This variant is causes the deletion of one amino acid at position 1527 in the APC protein. To our knowledge, functional studies have not been reported for this variant. This variant has not been reported in individuals affected with APC-related disorders in the literature. This variant has been identified in 2/1614012 chromosomes in the general population by the Genome Aggregation Database (gnomAD). The available evidence is insufficient to determine the role of this variant in disease conclusively. Therefore, this variant is classified as a Variant of Uncertain Significance.

Ambry Genetics
Classification: Uncertain significance for Hereditary cancer-predisposing syndrome. Last evaluated: 2017-05-22. Review status: criteria provided, single submitter. Criteria: Ambry Variant Classification Scheme 2023. Collection method: clinical testing. Allele origin: germline.
Comment: The c.4578_4580delTCC variant (also known as p.P1527del) is located in coding exon 15 of the APC gene. This variant results from an in-frame TCC deletion at nucleotide positions 4578 to 4580. This results in the in-frame deletion of a proline at codon 1527. This amino acid position is highly conserved in available vertebrate species. Since supporting evidence is limited at this time, the clinical significance of this alteration remains unclear.

NM_000038.6(APC):c.4578_4580del (p.Pro1527del)

Gene: APC (APC regulator of Wnt signaling pathway; plus strand). Cytogenetic location: 5q22.2.
Variant type: Deletion.
Coding change: c.4578_4580del on transcript NM_000038.6 (MANE Select); coding-DNA positions 4578 to 4580, 3 bases deleted (TCC; older notation c.4578_4580delTCC).
Protein change: p.Pro1527del; deletes proline 1527.
Molecular consequence: inframe deletion.
Genome position (GRCh38, 1-based): chr5:112,840,172-112,840,174, TCC deleted; deleting any 3 consecutive bases within chr5:112,840,170-112,840,174 gives the same sequence; the c. name uses the placement nearest the transcript's 3' end. VCF-style (leftmost placement, unchanged base first): chr5-112840169-GCCT-G. GRCh37 (hg19) VCF-style: chr5-112175866-GCCT-G.
Other names: c.4578_4580del, p.Pro1527del (NM_001127510.3, NM_001354895.2); c.4524_4526del, p.Pro1509del (NM_001127511.3); c.4632_4634del, p.Pro1545del (NM_001354896.2); c.4608_4610del, p.Pro1537del (NM_001354897.2); c.4503_4505del, p.Pro1502del (NM_001354898.2); c.4494_4496del, p.Pro1499del (NM_001354899.2); c.4455_4457del, p.Pro1486del (NM_001354900.2); c.4401_4403del, p.Pro1468del (NM_001354901.2); and 5 more; short protein forms P1509del, P1527del, P1367del, P1426del, P1537del, P1244del, P1401del, P1486del.
Identifiers: ClinVar variation 482480 (VCV000482480.6), dbSNP rs1554085983, ClinGen allele CA658655946.